The following is an entry in ClinVar:

NM_183075.3(CYP2U1):c.107C>A (p.Ala36Glu)

Genes: CYP2U1 (cytochrome P450 family 2 subfamily U member 1; plus strand), CYP2U1-AS1 (CYP2U1 and SGMS2 antisense RNA 1; minus strand). Cytogenetic location: 4q25.
Variant type: single nucleotide variant.
Coding change: c.107C>A on transcript NM_183075.3 (MANE Select); coding-DNA position 107, C replaced by A.
Protein change: p.Ala36Glu; replaces alanine 36 with glutamic acid.
Molecular consequence: missense variant.
Genome position (GRCh38, 1-based): chr4:107,931,750, C>A. VCF-style: chr4-107931750-C-A. GRCh37 (hg19) VCF-style: chr4-108852906-C-A.
Other names: c.107C>A (NM_183075.2); short protein forms A36E.
Identifiers: ClinVar variation 1494421 (VCV001494421.9), dbSNP rs1351893573, ClinGen allele CA357831741.
Genomic context (GRCh38, chr4:107,931,750, plus strand): 5'-GGCCCGCGCGCCTCCTGCGTGCGCCTCTGGGGCTGCTGCGGCTGGACCCCAGCGGGGGCG[C>A]GCTGCTGCTATGCGGCCTCGTAGCGCTGCTGGGCTGGAGCTGGCTGCGGAGGCGCCGGGC-3'
Protein context (NP_898898.1, residues 26-46): GLLRLDPSGG[Ala36Glu]LLLCGLVALL

ClinVar aggregate classification (germline): Uncertain significance. Review status: criteria provided, multiple submitters, no conflicts (2 of 4 stars). 2 submissions from 2 submitters: Uncertain significance (2). Last evaluated 2025-05-21.

Conditions:
Inborn genetic diseases. Identifiers: MedGen C0950123, MeSH D030342.
Spastic paraplegia. Identifiers: MedGen C0037772, HP:0001258.

Allele frequency attached by ClinVar (database versions not stated): gnomAD exomes below 0.00001; TOPMed 0.00001.
gnomAD v4.1: 5 of 1,430,350 alleles (0.00035%); highest among the groups gnomAD compares: South Asian, 0.0015%; no homozygotes.

Submissions (2):

Ambry Genetics
Classification: Uncertain significance for Inborn genetic diseases. Last evaluated: 2025-05-21. Review status: criteria provided, single submitter. Criteria: Ambry Variant Classification Scheme 2023. Collection method: clinical testing. Allele origin: germline.

Labcorp Genetics (formerly Invitae), Labcorp
Classification: Uncertain significance for Spastic paraplegia. Last evaluated: 2024-08-13. Review status: criteria provided, single submitter. Criteria: Invitae Variant Classification Sherloc (09022015). Collection method: clinical testing. Allele origin: germline.
Comment: This sequence change replaces alanine, which is neutral and non-polar, with glutamic acid, which is acidic and polar, at codon 36 of the CYP2U1 protein (p.Ala36Glu). The frequency data for this variant in the population databases is considered unreliable, as metrics indicate poor data quality at this position in the gnomAD database. This variant has not been reported in the literature in individuals affected with CYP2U1-related conditions. ClinVar contains an entry for this variant (Variation ID: 1494421). Advanced modeling of protein sequence and biophysical properties (such as structural, functional, and spatial information, amino acid conservation, physicochemical variation, residue mobility, and thermodynamic stability) performed at Invitae indicates that this missense variant is not expected to disrupt CYP2U1 protein function with a negative predictive value of 95%. In summary, the available evidence is currently insufficient to determine the role of this variant in disease. Therefore, it has been classified as a Variant of Uncertain Significance.